The following is an entry in ClinVar:

ClinVar aggregate classification (germline): Pathogenic. Review status: criteria provided, single submitter (1 of 4 stars). 2 submissions from 2 submitters: Pathogenic (1). 1 of the submissions does not count toward it. Last evaluated 2017-11-20.

Conditions:
Autosomal recessive ataxia due to ubiquinone deficiency. Also called: Coenzyme Q10 deficiency, primary, 4; SPINOCEREBELLAR ATAXIA, AUTOSOMAL RECESSIVE 9. Identifiers: Orphanet 139485, MedGen C2677589, MONDO:0012784, OMIM 612016.

Submissions (2):

GeneDx
Classification: Pathogenic. Last evaluated: 2017-11-20. Review status: criteria provided, single submitter. Criteria: GeneDx Variant Classification (06012015). Collection method: clinical testing. Allele origin: germline. Affected: yes.
Comment: The c.500_521del22insTTG variant in the COQ8A gene has been reported previously as c.500_521delinsTTG in the homozygous state in an individual with childhood-onset cerebellar ataxia and cerebellar atrophy and was shown to result in decreased CoQ10 in fibroblasts, impaired cell growth, and decreased ATP production (Lagier-Tourenne et al., 2008; Quinzii et al., 2010). The c.500_521del22insTTG variant causes a frameshift starting with codon Glutamine 167, changes this amino acid to a Leucine residue, and creates a premature Stop codon at position 36 of the new reading frame, denoted p.Gln167LeufsX36. This variant is predicted to cause loss of normal protein function either through protein truncation or nonsense-mediated mRNA decay. The c.500_521del22insTTG variant is not observed in large population cohorts (Lek et al., 2016). We interpret c.500_521del22insTTG as a pathogenic variant.

OMIM
Classification: Pathogenic for COENZYME Q10 DEFICIENCY, PRIMARY, 4. Last evaluated: 2010-10-01. Review status: no assertion criteria provided. Collection method: literature only. Allele origin: germline. Not counted in ClinVar's aggregate classification.

Literature cited by the submitters: PubMed 18319074 (cited by OMIM); PubMed 20495179 (cited by OMIM).

NM_020247.5(COQ8A):c.500_521delinsTTG (p.Gln167fs)

Gene: COQ8A (coenzyme Q8A; plus strand). Cytogenetic location: 1q42.13.
Variant type: Indel.
Coding change: c.500_521delinsTTG on transcript NM_020247.5 (MANE Select); coding-DNA positions 500 to 521, AATCCCCTGTTGGGGGCCTCAC replaced by TTG.
Protein change: p.Gln167fs; shifts the reading frame from glutamine 167.
Molecular consequence: frameshift variant.
Genome position (GRCh38, 1-based): chr1:226,965,322-226,965,343, AATCCCCTGTTGGGGGCCTCAC replaced by TTG. VCF-style: chr1-226965322-AATCCCCTGTTGGGGGCCTCAC-TTG. GRCh37 (hg19) VCF-style: chr1-227153023-AATCCCCTGTTGGGGGCCTCAC-TTG.
Other names: COQ8A, 22-BP DEL/3-BP INS; short protein forms Q167fs.
Identifiers: ClinVar variation 3642 (VCV000003642.2), dbSNP rs606231139, ClinGen allele CA116405.